The following is an entry in ClinVar:

NM_000827.4(GRIA1):c.950G>A (p.Arg317Gln)

Gene: GRIA1 (glutamate ionotropic receptor AMPA type subunit 1; plus strand). Cytogenetic location: 5q33.2.
Variant type: single nucleotide variant.
Coding change: c.950G>A on transcript NM_000827.4 (MANE Select); coding-DNA position 950, G replaced by A.
Protein change: p.Arg317Gln; replaces arginine 317 with glutamine.
Molecular consequence: missense variant. On other transcripts: non-coding transcript variant (2), intron variant (1).
Genome position (GRCh38, 1-based): chr5:153,677,082, G>A. VCF-style: chr5-153677082-G-A. GRCh37 (hg19) VCF-style: chr5-153056642-G-A.
Other names: c.950G>A, p.Arg317Gln (NM_001114183.2); c.710G>A, p.Arg237Gln (NM_001258019.2); c.665G>A, p.Arg222Gln (NM_001258020.2); c.980G>A, p.Arg327Gln (NM_001258021.2, NM_001258022.2); c.743G>A, p.Arg248Gln (NM_001258023.1, NM_001364167.2); c.977G>A, p.Arg326Gln (NM_001364166.2); c.861+2421G>A (NM_001364165.2); short protein forms R222Q, R237Q, R248Q, R317Q, R326Q, R327Q.
Identifiers: ClinVar variation 4879277 (VCV004879277.1).

ClinVar aggregate classification (germline): Uncertain significance (1 of 4 stars; one submission).

Conditions:
Intellectual developmental disorder, autosomal dominant 67 (MRD67). Also called: MENTAL RETARDATION, AUTOSOMAL DOMINANT 67. Identifiers: MedGen C5677006, MONDO:0030964, OMIM 619927.

gnomAD v4.1: 6 of 1,584,000 alleles (0.00038%); highest among the groups gnomAD compares: South Asian, 0.0012%; no homozygotes.

Submission:

Clinical Genomics Laboratory, Washington University in St. Louis
Classification: Uncertain significance for Intellectual developmental disorder, autosomal dominant 67. Last evaluated: 2026-05-01. Review status: criteria provided, single submitter. Criteria: ACMG Guidelines, 2015. Collection method: clinical testing. Allele origin: germline.
Comment: The GRIA1 c.950G>A (p.Arg317Gln) variant, to our knowledge, has not been reported in the medical literature. This variant is only observed in 1/235,556 alleles in the general population (gnomAD v2.1.1), indicating it is not a common variant. Computational predictors are uncertain as to the impact of this variant on GRIA1 function. Due to limited information, and based on ACMG/AMP guidelines for variant interpretation (Richards S et al., PMID: 25741868), the clinical significance of this variant is uncertain at this time.